The following is an entry in ClinVar:

ClinVar aggregate classification (germline): Uncertain significance (1 of 4 stars; one submission).

Allele frequency attached by ClinVar (database versions not stated): gnomAD exomes 0.00001; TOPMed 0.00001.
gnomAD v4.1: 11 of 1,613,864 alleles (0.00068%); highest among the groups gnomAD compares: East Asian, 0.0045%; no homozygotes.

Submissions (2):

Labcorp Genetics (formerly Invitae), Labcorp
Classification: Uncertain significance. Last evaluated: 2022-05-25. Review status: criteria provided, single submitter. Criteria: Invitae Variant Classification Sherloc (09022015). Collection method: clinical testing. Allele origin: germline.
Comment: In summary, the available evidence is currently insufficient to determine the role of this variant in disease. Therefore, it has been classified as a Variant of Uncertain Significance. Algorithms developed to predict the effect of missense changes on protein structure and function output the following: SIFT: "Tolerated"; PolyPhen-2: "Possibly Damaging"; Align-GVGD: "Class C0". The methionine amino acid residue is found in multiple mammalian species, which suggests that this missense change does not adversely affect protein function. This variant has not been reported in the literature in individuals affected with TSPEAR-related conditions. This variant is present in population databases (no rsID available, gnomAD 0.003%). This sequence change replaces valine, which is neutral and non-polar, with methionine, which is neutral and non-polar, at codon 305 of the TSPEAR protein (p.Val305Met).

Dr. Peter K. Rogan Lab, Western University
No classification provided (evidence only). Condition: Malignant tumor of esophagus. Review status: no classification provided. Collection method: in vitro. Allele origin: not applicable. Functional consequence: retained intron. Not counted in ClinVar's aggregate classification.

NM_144991.3(TSPEAR):c.913G>A (p.Val305Met)

Gene: TSPEAR (thrombospondin type laminin G domain and EAR repeats; minus strand). Cytogenetic location: 21q22.3.
Variant type: single nucleotide variant.
Coding change: c.913G>A on transcript NM_144991.3 (MANE Select); coding-DNA position 913, G replaced by A.
Protein change: p.Val305Met; replaces valine 305 with methionine.
Molecular consequence: missense variant.
Genome position (GRCh38, 1-based): chr21:44,528,461, C>T on the plus strand (G>A on the coding strand, the complement: TSPEAR is on the minus strand). VCF-style: chr21-44528461-C-T. GRCh37 (hg19) VCF-style: chr21-45948344-C-T.
Other names: c.709G>A, p.Val237Met (NM_001272037.2); short protein forms V237M, V305M.
Identifiers: ClinVar variation 2190996 (VCV002190996.3), dbSNP rs963392857, ClinGen allele CA321815403.